The following is an entry in ClinVar:

ClinVar aggregate classification (germline): Pathogenic (1 of 4 stars; one submission).

Conditions:
Glycine encephalopathy. Also called: Non-ketotic hyperglycinemia; Nonketotic hyperglycinemia. Identifiers: Orphanet 407, MedGen C0751748, MONDO:0011612, HP:0008288.

Submission:

Labcorp Genetics (formerly Invitae), Labcorp
Classification: Pathogenic for Glycine encephalopathy. Last evaluated: 2021-06-16. Review status: criteria provided, single submitter. Criteria: Invitae Variant Classification Sherloc (09022015). Collection method: clinical testing. Allele origin: germline.
Comment: This sequence change creates a premature translational stop signal (p.Tyr361*) in the GLDC gene. It is expected to result in an absent or disrupted protein product. Loss-of-function variants in GLDC are known to be pathogenic (PMID: 16601880). This variant is not present in population databases (ExAC no frequency). This variant has not been reported in the literature in individuals with GLDC-related conditions. For these reasons, this variant has been classified as Pathogenic.

Literature cited by the submitters: PubMed 16601880.

NM_000170.3(GLDC):c.1083T>G (p.Tyr361Ter)

Gene: GLDC (glycine decarboxylase; minus strand). Cytogenetic location: 9p24.1.
Variant type: single nucleotide variant.
Coding change: c.1083T>G on transcript NM_000170.3 (MANE Select); coding-DNA position 1083, T replaced by G.
Protein change: p.Tyr361Ter; replaces tyrosine 361 with a stop codon.
Molecular consequence: nonsense.
Genome position (GRCh38, 1-based): chr9:6,602,181, A>C on the plus strand (T>G on the coding strand, the complement: GLDC is on the minus strand). VCF-style: chr9-6602181-A-C. GRCh37 (hg19) VCF-style: chr9-6602181-A-C.
Other names: short protein forms Y361*.
Identifiers: ClinVar variation 1456500 (VCV001456500.6), dbSNP rs2129885505, ClinGen allele CA372894659.
Genomic context (GRCh38, chr9:6,602,181, plus strand): 5'-GATGTTGCTGGTAGCCTTGTCTCTCCGAATGTGTTGCTCCCTGGTTTGAAGAGCAAGACG[A>C]TACACTTCTTTCCCAGTGGCATCTCTACACCAAGAATAAGGCATCCAGTTAGCACAGATA-3'